The following is an entry in ClinVar:

ClinVar aggregate classification (germline): Pathogenic (1 of 4 stars; one submission).

Conditions:
Charcot-Marie-Tooth disease axonal type 2S. Also called: CHARCOT-MARIE-TOOTH DISEASE, AXONAL, AUTOSOMAL RECESSIVE, TYPE 2S; CHARCOT-MARIE-TOOTH NEUROPATHY, TYPE 2S. Identifiers: Orphanet 443073, MedGen C4015349, MONDO:0014511, OMIM 616155.
Autosomal recessive distal spinal muscular atrophy 1. Also called: HMN VI; NEURONOPATHY, SEVERE INFANTILE AXONAL, WITH RESPIRATORY FAILURE; SEVERE INFANTILE AXONAL NEUROPATHY WITH RESPIRATORY FAILURE; SPINAL MUSCULAR ATROPHY, DIAPHRAGMATIC; Spinal muscular atrophy with respiratory distress 1; NEURONOPATHY, DISTAL HEREDITARY MOTOR, HARDING TYPE VI. Identifiers: Orphanet 98920, MedGen C1858517, MONDO:0011436, OMIM 604320.

Submission:

Labcorp Genetics (formerly Invitae), Labcorp
Classification: Pathogenic for Autosomal recessive distal spinal muscular atrophy 1; Charcot-Marie-Tooth disease axonal type 2S. Last evaluated: 2023-08-31. Review status: criteria provided, single submitter. Criteria: Invitae Variant Classification Sherloc (09022015). Collection method: clinical testing. Allele origin: germline.
Comment: For these reasons, this variant has been classified as Pathogenic. This variant has not been reported in the literature in individuals affected with IGHMBP2-related conditions. This variant is not present in population databases (gnomAD no frequency). This sequence change creates a premature translational stop signal (p.Leu166*) in the IGHMBP2 gene. It is expected to result in an absent or disrupted protein product. Loss-of-function variants in IGHMBP2 are known to be pathogenic (PMID: 14681881, 25439726, 25568292).

Literature cited by the submitters: PubMed 14681881; PubMed 25439726; PubMed 25568292.

NM_002180.3(IGHMBP2):c.496_499del (p.Ser165_Leu166insTer)

Gene: IGHMBP2 (immunoglobulin mu DNA binding protein 2; plus strand). Cytogenetic location: 11q13.3.
Variant type: Microsatellite.
Coding change: c.496_499del on transcript NM_002180.3 (MANE Select); coding-DNA positions 496 to 499, 4 bases deleted (CTCA; older notation c.496_499delCTCA).
Protein change: p.Ser165_Leu166insTer.
Molecular consequence: nonsense.
Genome position (GRCh38, 1-based): chr11:68,908,580-68,908,583, CTCA deleted; deleting any 4 consecutive bases within chr11:68,908,576-68,908,583 gives the same sequence; the c. name uses the placement nearest the transcript's 3' end. VCF-style (leftmost placement, unchanged base first): chr11-68908575-CCTCA-C. GRCh37 (hg19) VCF-style: chr11-68676043-CCTCA-C.
Identifiers: ClinVar variation 2949901 (VCV002949901.3), dbSNP rs2495952128, ClinGen allele CA2740093104.